The following is an entry in ClinVar:

ClinVar aggregate classification (germline): Likely pathogenic. Review status: criteria provided, multiple submitters, no conflicts (2 of 4 stars). 2 submissions from 2 submitters: Likely pathogenic (2). Last evaluated 2024-03-09.

Conditions:
Congenital lactic acidosis, Saguenay-Lac-Saint-Jean type (MC4DN5). Also called: CYTOCHROME c OXIDASE DEFICIENCY, FRENCH CANADIAN TYPE; COX DEFICIENCY, FRENCH CANADIAN TYPE; MITOCHONDRIAL COMPLEX IV DEFICIENCY, NUCLEAR TYPE 5. Identifiers: Orphanet 70472, MedGen C1857355, MONDO:0009069, OMIM 220111.

Submissions (5):

Fulgent Genetics
Classification: Likely pathogenic for Congenital lactic acidosis, Saguenay-Lac-Saint-Jean type. Last evaluated: 2024-03-09. Review status: criteria provided, single submitter. Criteria: ACMG Guidelines, 2015. Collection method: clinical testing. Allele origin: germline.

Labcorp Genetics (formerly Invitae), Labcorp
Classification: Likely pathogenic. Last evaluated: 2022-03-01. Review status: criteria provided, single submitter. Criteria: Invitae Variant Classification Sherloc (09022015). Collection method: clinical testing. Allele origin: germline.
Comment: In summary, the currently available evidence indicates that the variant is pathogenic, but additional data are needed to prove that conclusively. Therefore, this variant has been classified as Likely Pathogenic. Algorithms developed to predict the effect of sequence changes on RNA splicing suggest that this variant may disrupt the consensus splice site. This variant has not been reported in the literature in individuals affected with LRPPRC-related conditions. This variant is not present in population databases (gnomAD no frequency). This sequence change affects a donor splice site in intron 15 of the LRPPRC gene. It is expected to disrupt RNA splicing. Variants that disrupt the donor or acceptor splice site typically lead to a loss of protein function (PMID: 16199547), and loss-of-function variants in LRPPRC are known to be pathogenic (PMID: 26510951).

Dr. Peter K. Rogan Lab, Western University
No classification provided (evidence only). Condition: Nonpapillary renal cell carcinoma. Review status: no classification provided. Collection method: in vitro. Allele origin: not applicable. Functional consequence: retained intron. Not counted in ClinVar's aggregate classification.

Dr. Peter K. Rogan Lab, Western University
No classification provided (evidence only). Condition: Nonpapillary renal cell carcinoma. Review status: no classification provided. Collection method: in vitro. Allele origin: not applicable. Functional consequence: retained intron. Not counted in ClinVar's aggregate classification.

Dr. Peter K. Rogan Lab, Western University
No classification provided (evidence only). Condition: Nonpapillary renal cell carcinoma. Review status: no classification provided. Collection method: in vitro. Allele origin: not applicable. Functional consequence: retained intron. Not counted in ClinVar's aggregate classification.

Literature cited by the submitters: PubMed 16199547 (cited by Labcorp Genetics (formerly Invitae), Labcorp); PubMed 26510951 (cited by Labcorp Genetics (formerly Invitae), Labcorp).

NM_133259.4(LRPPRC):c.1677+1G>A

Gene: LRPPRC (leucine rich pentatricopeptide repeat containing; minus strand). Cytogenetic location: 2p21.
Variant type: single nucleotide variant.
Coding change: c.1677+1G>A on transcript NM_133259.4 (MANE Select); the canonical splice donor site of the intron after coding-DNA position 1677, G replaced by A.
Molecular consequence: splice donor variant.
Genome position (GRCh38, 1-based): chr2:43,950,572, C>T on the plus strand (G>A on the coding strand, the complement: LRPPRC is on the minus strand). VCF-style: chr2-43950572-C-T. GRCh37 (hg19) VCF-style: chr2-44177711-C-T.
Identifiers: ClinVar variation 2101370 (VCV002101370.6), dbSNP rs2103624540, ClinGen allele CA346677847.
Genomic context (GRCh38, chr2:43,950,572, plus strand): 5'-CTATGGTATTGGCTTGTAACGTTAAAAGCACCTTATGATTTGCAATATTAGAGGGACTTA[C>T]CTCGCTCCAAAGATTTATATTCATAGACCTGCAGAGGGCAGCAAAGGATCGAAAATAAAC-3'